The following is an entry in ClinVar:

NM_000059.4(BRCA2):c.7546T>C (p.Ser2516Pro)

Gene: BRCA2 (BRCA2 DNA repair associated; plus strand). Cytogenetic location: 13q13.1.
Variant type: single nucleotide variant.
Coding change: c.7546T>C on transcript NM_000059.4 (MANE Select); coding-DNA position 7546, T replaced by C.
Protein change: p.Ser2516Pro; replaces serine 2516 with proline.
Molecular consequence: missense variant.
Genome position (GRCh38, 1-based): chr13:32,356,538, T>C. VCF-style: chr13-32356538-T-C. GRCh37 (hg19) VCF-style: chr13-32930675-T-C.
Other names: short protein forms S2516P.
Identifiers: ClinVar variation 1692128 (VCV001692128.1), dbSNP rs1411116504, ClinGen allele CA387743665.

ClinVar aggregate classification (germline): Uncertain significance (1 of 4 stars; one submission).

Conditions:
Hereditary cancer-predisposing syndrome. Also called: Hereditary Cancer Syndrome; Hereditary neoplastic syndrome; Neoplastic Syndromes, Hereditary; Tumor predisposition. Identifiers: Orphanet 140162, MedGen C0027672, MeSH D009386, MONDO:0015356.

Submission:

Sema4
Classification: Uncertain significance for Hereditary cancer-predisposing syndrome. Last evaluated: 2021-12-20. Review status: criteria provided, single submitter. Criteria: Sema4 Curation Guidelines. Collection method: curation. Allele origin: germline.
Comment: The BRCA2 c.7546T>C (p.Ser2516Pro) variant has not been reported in the literature to our knowledge. This variant is not reported in the population database Genome Aggregation Database (PMID: 32461654). This variant has not been reported in ClinVar. Functional studies have not been performed, and in silico predictions of the variant's effect on protein function are inconclusive. The evidence is insufficient to meet ACMG/AMP criteria for classifying the variant as benign or pathogenic. Thus, the clinical significance of this variant is currently uncertain.